The following is an entry in ClinVar:

NM_001845.6(COL4A1):c.2216C>T (p.Pro739Leu)

Gene: COL4A1 (collagen type IV alpha 1 chain; minus strand). Cytogenetic location: 13q34.
Variant type: single nucleotide variant.
Coding change: c.2216C>T on transcript NM_001845.6 (MANE Select); coding-DNA position 2216, C replaced by T.
Protein change: p.Pro739Leu; replaces proline 739 with leucine.
Molecular consequence: missense variant.
Genome position (GRCh38, 1-based): chr13:110,179,399, G>A on the plus strand (C>T on the coding strand, the complement: COL4A1 is on the minus strand). VCF-style: chr13-110179399-G-A. GRCh37 (hg19) VCF-style: chr13-110831746-G-A.
Other names: c.2216C>T (NM_001845.5, NM_001845.4); short protein forms P739L.
Identifiers: ClinVar variation 1376495 (VCV001376495.33), dbSNP rs778390847, ClinGen allele CA7047663.
Genomic context (GRCh38, chr13:110,179,399, plus strand): 5'-CTCCCCTTCTCCCCGGGTGTGCCAGGAATGCCGGGAAGACCTGGCAAACCTTTGAGTCCC[G>A]GTAGACCAACTCCAGGCTCTCCCTGAAAATCCCCAAAGCACAGAGAAGCAAATTGATTTG-3'
Protein context (NP_001836.3, residues 729-749): GQKGEPGVGL[Pro739Leu]GLKGLPGLPG

ClinVar aggregate classification (germline): Conflicting classifications of pathogenicity. Review status: criteria provided, conflicting classifications (1 of 4 stars). 5 submissions from 5 submitters: Uncertain significance (4); Likely benign (1). Last evaluated 2026-09-14.

Conditions:
COL4A1-related disorder. Also called: COL4A1-related disorders; COL4A1-related condition. Identifiers: MedGen CN376119, MONDO:0800461.
Autosomal dominant familial hematuria-retinal arteriolar tortuosity-contractures syndrome. Also called: Hereditary Angiopathy with Nephropathy, Aneurysms, and Muscle Cramps (HANAC) Syndrome; Angiopathy, hereditary, with nephropathy, aneurysms, and muscle cramps. Identifiers: Orphanet 73229, MedGen C2673195, MONDO:0012726, OMIM 611773.
Hemorrhage, intracerebral, susceptibility to (ICH). Also called: Stroke, hemorrhagic, susceptibility to. Identifiers: MedGen C3281105, MONDO:0100533, OMIM 614519.
Retinal arterial tortuosity. Also called: RETINAL HEMORRHAGE WITH VASCULAR TORTUOSITY; Retinal arteries, tortuosity of. Identifiers: Orphanet 75326, MedGen C0423401, MONDO:0008373, OMIM 180000, HP:0000631.
Brain small vessel disease 1 with or without ocular anomalies (BSVD1). Also called: Brain small vessel disease with or without ocular anomalies; PORENCEPHALY, TYPE 1, AUTOSOMAL DOMINANT; BRAIN SMALL VESSEL DISEASE WITH HEMORRHAGE; GOULD SYNDROME 1. Identifiers: Orphanet 2940, Orphanet 36383, Orphanet 99810, MedGen C4755307, MONDO:0008289, OMIM 175780.
Microangiopathy and leukoencephalopathy, pontine, autosomal dominant. Also called: DEMENTIA, HEREDITARY MULTI-INFARCT, SWEDISH TYPE; Pontine autosomal dominant microangiopathy with leukoencephalopathy. Identifiers: Orphanet 477749, MedGen C5231411, MONDO:0032814, OMIM 618564.

Allele frequency attached by ClinVar (database versions not stated): gnomAD 0.00003; ExAC 0.00005.
gnomAD v4.1: 46 of 1,613,918 alleles (0.0029%); highest among the groups gnomAD compares: South Asian, 0.018%; no homozygotes.

Submissions (5):

GeneDx
Classification: Uncertain significance. Last evaluated: 2026-09-14. Review status: criteria provided, single submitter. Criteria: GeneDx Variant Classification Process June 2021. Collection method: clinical testing. Allele origin: germline.
Comment: Observed in a patient with polycystic kidney disease in published literature; of note, the patient also harbored a PKD1 variant that may contribute to the phenotype (PMID: 36755831); Occurs in the triple helical domain within an interruption of the canonical Gly-X-Y repeat; In silico analysis supports that this missense variant has a deleterious effect on protein structure/function; This variant is associated with the following publications: (PMID: 36755831)

PreventionGenetics, part of Exact Sciences
Classification: Uncertain significance for COL4A1-related condition. Last evaluated: 2026-03-04. Review status: criteria provided, single submitter. Criteria: ACMG Guidelines, 2015. Collection method: clinical testing. Allele origin: germline.
Comment: The COL4A1 c.2216C>T variant is predicted to result in the amino acid substitution p.Pro739Leu. To our knowledge, this variant has not been reported in the literature. This variant is reported in 0.0085% of alleles in individuals of Latino descent in gnomAD. At this time, the clinical significance of this variant is uncertain due to the absence of conclusive functional and genetic evidence.

Labcorp Genetics (formerly Invitae), Labcorp
Classification: Uncertain significance. Last evaluated: 2025-12-21. Review status: criteria provided, single submitter. Criteria: Invitae Variant Classification Sherloc (09022015). Collection method: clinical testing. Allele origin: germline.
Comment: This sequence change replaces proline, which is neutral and non-polar, with leucine, which is neutral and non-polar, at codon 739 of the COL4A1 protein (p.Pro739Leu). This variant is present in population databases (rs778390847, gnomAD 0.009%). This variant has not been reported in the literature in individuals affected with COL4A1-related conditions. ClinVar contains an entry for this variant (Variation ID: 1376495). Invitae Evidence Modeling of protein sequence and biophysical properties (such as structural, functional, and spatial information, amino acid conservation, physicochemical variation, residue mobility, and thermodynamic stability) indicates that this missense variant is not expected to disrupt COL4A1 protein function with a negative predictive value of 95%. In summary, the available evidence is currently insufficient to determine the role of this variant in disease. Therefore, it has been classified as a Variant of Uncertain Significance.

Fulgent Genetics
Classification: Uncertain significance for Brain small vessel disease 1 with or without ocular anomalies; Retinal arterial tortuosity; Autosomal dominant familial hematuria-retinal arteriolar tortuosity-contractures syndrome; Hemorrhage, intracerebral, susceptibility to; Microangiopathy and leukoencephalopathy, pontine, autosomal dominant. Last evaluated: 2024-06-12. Review status: criteria provided, single submitter. Criteria: ACMG Guidelines, 2015. Collection method: clinical testing. Allele origin: germline.

CeGaT Center for Human Genetics Tuebingen
Classification: Likely benign. Last evaluated: 2023-12-01. Review status: criteria provided, single submitter. Criteria: CeGaT Center For Human Genetics Tuebingen Variant Classification Criteria Version 2. Collection method: clinical testing. Allele origin: germline. Affected: yes. Observed: 1 variant allele.
Comment: COL4A1: BS2